The following is an entry in ClinVar:

ClinVar aggregate classification (germline): Pathogenic (1 of 4 stars; one submission).

Conditions:
Microcephaly-intellectual disability-sensorineural hearing loss-epilepsy-abnormal muscle tone syndrome (NEDHSB). Also called: NEURODEVELOPMENTAL DISORDER WITH HEARING LOSS, SEIZURES, AND BRAIN ABNORMALITIES. Identifiers: Orphanet 457351, MedGen C4225276, MONDO:0014698, OMIM 616577.

Submission:

Labcorp Genetics (formerly Invitae), Labcorp
Classification: Pathogenic for Microcephaly-intellectual disability-sensorineural hearing loss-epilepsy-abnormal muscle tone syndrome. Last evaluated: 2025-06-17. Review status: criteria provided, single submitter. Criteria: Invitae Variant Classification Sherloc (09022015). Collection method: clinical testing. Allele origin: germline.
Comment: This sequence change creates a premature translational stop signal (p.Ala547Leufs*18) in the SPATA5 gene. It is expected to result in an absent or disrupted protein product. Loss-of-function variants in SPATA5 are known to be pathogenic (PMID: 26299366). This variant is present in population databases (no rsID available, gnomAD 0.02%). This premature translational stop signal has been observed in individual(s) with SPATA5-related conditions (PMID: 33176815). For these reasons, this variant has been classified as Pathogenic.

Literature cited by the submitters: PubMed 26299366; PubMed 33176815.

NM_145207.3(AFG2A):c.1639del (p.Ala547fs)

Gene: AFG2A (AAA ATPase AFG2A; plus strand). Cytogenetic location: 4q28.1.
Variant type: Deletion.
Coding change: c.1639del on transcript NM_145207.3 (MANE Select); coding-DNA position 1639, one base deleted (G; older notation c.1639delG).
Protein change: p.Ala547fs; shifts the reading frame from alanine 547.
Molecular consequence: frameshift variant.
Genome position (GRCh38, 1-based): chr4:122,947,413, G deleted; the last of 2 consecutive G bases (chr4:122,947,412-122,947,413); deleting either gives the same sequence. VCF-style (leftmost placement, unchanged base first): chr4-122947411-AG-A. GRCh37 (hg19) VCF-style: chr4-123868566-AG-A.
Other names: c.1636del, p.Ala546fs (NM_001317799.2, NM_001345856.2, NM_001437913.1); c.1639del, p.Ala547fs (NM_001438322.1); short protein forms A546fs, A547fs.
Identifiers: ClinVar variation 4794259 (VCV004794259.1).
Genomic context (GRCh38, chr4:122,947,411, plus strand): 5'-CTCAGGACCGGCTAGATATTCTCCAGAAACTGCTTCGAAGGGTACCCCATTTGCTCACTG[AG>A]GCTGAGCTGCTGCAGCTGGCAAATAGTGCTCATGGATACGTTGGAGCAGACTTGAAAGTC-3'